The following is an entry in ClinVar:

ClinVar aggregate classification (germline): Uncertain significance. Review status: criteria provided, multiple submitters, no conflicts (2 of 4 stars). 2 submissions from 2 submitters: Uncertain significance (2). Last evaluated 2023-02-27.

Conditions:
Hypertrophic cardiomyopathy 14. Identifiers: MedGen C2750467, MONDO:0013197, OMIM 613251.

Allele frequency attached by ClinVar (database versions not stated): gnomAD exomes 0.00001.
gnomAD v4.1: 13 of 1,614,116 alleles (0.00081%); highest among the groups gnomAD compares: Non-Finnish European, 0.0011%; no homozygotes.

Submissions (2):

Labcorp Genetics (formerly Invitae), Labcorp
Classification: Uncertain significance for Hypertrophic cardiomyopathy 14. Last evaluated: 2023-02-27. Review status: criteria provided, single submitter. Criteria: Invitae Variant Classification Sherloc (09022015). Collection method: clinical testing. Allele origin: germline.
Comment: In summary, the available evidence is currently insufficient to determine the role of this variant in disease. Therefore, it has been classified as a Variant of Uncertain Significance. Advanced modeling of protein sequence and biophysical properties (such as structural, functional, and spatial information, amino acid conservation, physicochemical variation, residue mobility, and thermodynamic stability) performed at Invitae indicates that this missense variant is not expected to disrupt MYH6 protein function. ClinVar contains an entry for this variant (Variation ID: 807074). This variant has not been reported in the literature in individuals affected with MYH6-related conditions. This variant is not present in population databases (gnomAD no frequency). This sequence change replaces serine, which is neutral and polar, with glycine, which is neutral and non-polar, at codon 1650 of the MYH6 protein (p.Ser1650Gly).

CeGaT Center for Human Genetics Tuebingen
Classification: Uncertain significance. Last evaluated: 2019-06-01. Review status: criteria provided, single submitter. Criteria: CeGaT Center For Human Genetics Tuebingen Variant Classification Criteria Version 2. Collection method: clinical testing. Allele origin: germline. Affected: yes. Observed: 1 variant allele.

NM_002471.4(MYH6):c.4948A>G (p.Ser1650Gly)

Genes: MYH6 (myosin heavy chain 6; minus strand), LOC126861896 (BRD4-independent group 4 enhancer GRCh37_chr14:23854904-23856103; plus strand). Cytogenetic location: 14q11.2.
Variant type: single nucleotide variant.
Coding change: c.4948A>G on transcript NM_002471.4 (MANE Select); coding-DNA position 4948, A replaced by G.
Protein change: p.Ser1650Gly; replaces serine 1650 with glycine.
Molecular consequence: missense variant.
Genome position (GRCh38, 1-based): chr14:23,386,326, T>C on the plus strand (A>G on the coding strand, the complement: MYH6 is on the minus strand). VCF-style: chr14-23386326-T-C. GRCh37 (hg19) VCF-style: chr14-23855535-T-C.
Other names: short protein forms S1650G.
Identifiers: ClinVar variation 807074 (VCV000807074.51), dbSNP rs1595049396, ClinGen allele CA388990900.
Genomic context (GRCh38, chr14:23,386,326, plus strand): 5'-AGGCCACATGGAGGCCAGTCCCCTGAGGGGACCTCCCGCCCCCATGTACCTTCAGCAAGC[T>C]CTGGAGGCTCTTGACTTGCTTCTGGGCCTCGGCAGCCATGCGGTTGGCGTGGCTGAGCTG-3'
Protein context (NP_002462.2, residues 1640-1660): EAQKQVKSLQ[Ser1650Gly]LLKDTQIQLD